The following is an entry in ClinVar:

ClinVar aggregate classification (germline): Uncertain significance (1 of 4 stars; one submission).

Allele frequency attached by ClinVar (database versions not stated): gnomAD exomes below 0.00001 and 0.00001.
gnomAD v4.1: 1 of 1,548,302 alleles (0.000065%); highest among the groups gnomAD compares: Admixed American, 0.002%; no homozygotes.

Submission:

Labcorp Genetics (formerly Invitae), Labcorp
Classification: Uncertain significance. Last evaluated: 2021-08-14. Review status: criteria provided, single submitter. Criteria: Invitae Variant Classification Sherloc (09022015). Collection method: clinical testing. Allele origin: germline.
Comment: In summary, the available evidence is currently insufficient to determine the role of this variant in disease. Therefore, it has been classified as a Variant of Uncertain Significance. Algorithms developed to predict the effect of missense changes on protein structure and function are either unavailable or do not agree on the potential impact of this missense change (SIFT: "Deleterious"; PolyPhen-2: "Probably Damaging"; Align-GVGD: "Class C0"). This variant has not been reported in the literature in individuals affected with ZNF469-related conditions. The frequency data for this variant in the population databases is considered unreliable, as metrics indicate insufficient coverage at this position in the ExAC database. This sequence change replaces glutamic acid with valine at codon 686 of the ZNF469 protein (p.Glu686Val). The glutamic acid residue is weakly conserved and there is a moderate physicochemical difference between glutamic acid and valine.

NM_001367624.2(ZNF469):c.2057A>T (p.Glu686Val)

Gene: ZNF469 (zinc finger protein 469; plus strand). Cytogenetic location: 16q24.2.
Variant type: single nucleotide variant.
Coding change: c.2057A>T on transcript NM_001367624.2 (MANE Select); coding-DNA position 2057, A replaced by T.
Protein change: p.Glu686Val; replaces glutamic acid 686 with valine.
Molecular consequence: missense variant.
Genome position (GRCh38, 1-based): chr16:88,429,527, A>T. VCF-style: chr16-88429527-A-T. GRCh37 (hg19) VCF-style: chr16-88495935-A-T.
Other names: short protein forms E686V.
Identifiers: ClinVar variation 1475744 (VCV001475744.6), dbSNP rs899392144, ClinGen allele CA286373320.
Genomic context (GRCh38, chr16:88,429,527, plus strand): 5'-CCAAGGCCTTCCCTTTTCCCGCAGATGGGCTGGGAGCCGAGGGTGCCTTCCAGTGCCTGG[A>T]GGAGACCCCATTCCCCCACGAGGGCCCCGAGGTGGGTCGGGGAGGGCTGCAGGGCTTCCC-3'
Protein context (NP_001354553.1, residues 676-696): LGAEGAFQCL[Glu686Val]ETPFPHEGPE